The following is an entry in ClinVar:

NM_002547.3(OPHN1):c.1225C>T (p.Arg409Cys)

Gene: OPHN1 (oligophrenin 1; minus strand). Cytogenetic location: Xq12.
Variant type: single nucleotide variant.
Coding change: c.1225C>T on transcript NM_002547.3 (MANE Select); coding-DNA position 1225, C replaced by T.
Protein change: p.Arg409Cys; replaces arginine 409 with cysteine.
Molecular consequence: missense variant.
Genome position (GRCh38, 1-based): chrX:68,192,970, G>A on the plus strand (C>T on the coding strand, the complement: OPHN1 is on the minus strand). VCF-style: chrX-68192970-G-A. GRCh37 (hg19) VCF-style: chrX-67412812-G-A.
Other names: short protein forms R409C.
Identifiers: ClinVar variation 421280 (VCV000421280.7), dbSNP rs1064795031, ClinGen allele CA16621469.

ClinVar aggregate classification (germline): Pathogenic (1 of 4 stars; one submission).

Conditions:
Intellectual developmental disorder, X-linked, syndromic, Billuart type. Also called: X-linked intellectual disability-cerebellar hypoplasia syndrome; MENTAL RETARDATION, X-LINKED 60. Identifiers: Orphanet 137831, MedGen C1845366, MONDO:0010337, OMIM 300486.

Allele frequency attached by ClinVar (database versions not stated): gnomAD exomes below 0.00001.
gnomAD v4.1: 1 of 1,209,906 alleles (0.000083%); highest among the groups gnomAD compares: Non-Finnish European, 0.00011%; no homozygotes.

Submission:

GeneDx
Classification: Pathogenic. Last evaluated: 2025-05-16. Review status: criteria provided, single submitter. Criteria: GeneDx Variant Classification Process June 2021. Collection method: clinical testing. Allele origin: germline. Affected: yes.
Comment: Not observed at significant frequency in large population cohorts (gnomAD); In silico analysis supports that this missense variant has a deleterious effect on protein structure/function; This variant is associated with the following publications: (PMID: 33057194, 35982159)